The following is an entry in ClinVar:

NM_194248.3(OTOF):c.5332G>T (p.Val1778Phe)

Gene: OTOF (otoferlin; minus strand). Cytogenetic location: 2p23.3.
Variant type: single nucleotide variant.
Coding change: c.5332G>T on transcript NM_194248.3 (MANE Select); coding-DNA position 5332, G replaced by T.
Protein change: p.Val1778Phe; replaces valine 1778 with phenylalanine.
Molecular consequence: missense variant.
Genome position (GRCh38, 1-based): chr2:26,461,897, C>A on the plus strand (G>T on the coding strand, the complement: OTOF is on the minus strand). VCF-style: chr2-26461897-C-A. GRCh37 (hg19) VCF-style: chr2-26684765-C-A.
Other names: c.5332G>T, p.Val1778Phe (NM_001287489.2); c.3031G>T, p.Val1011Phe (NM_004802.4, NM_194323.3); c.3262G>T, p.Val1088Phe (NM_194322.3); short protein forms V1778F, V1088F, V1011F.
Identifiers: ClinVar variation 48258 (VCV000048258.37), dbSNP rs111033330, ClinGen allele CA262047.
Genomic context (GRCh38, chr2:26,461,897, plus strand): 5'-CGAAGGGGAACAGGTAGCGCCAGTTGAAGTTGCCCTCGCCAGTGAGGGAGTGGTAGTGGA[C>A]GTCTGTGTCCTGCTTGTCCTCCTGCTGGCCCTTCAGCCACCTGTGGGCGCCACATCTCCA-3'
Protein context (NP_919224.1, residues 1768-1788): GQQEDKQDTD[Val1778Phe]HYHSLTGEGN

ClinVar aggregate classification (germline): Conflicting classifications of pathogenicity. Review status: criteria provided, conflicting classifications (1 of 4 stars). 10 submissions from 10 submitters: Likely pathogenic (8); Uncertain significance (1). 1 of the submissions does not count toward it. Last evaluated 2026-03-20.

Conditions:
OTOF-related disorder. Also called: OTOF-related condition.
Nonsyndromic genetic hearing loss. Also called: Nonsyndromic hearing loss and deafness; Nonsyndromic genetic deafness; Non-syndromic genetic deafness. Identifiers: Orphanet 87884, MedGen C5680182, MONDO:0019497.
Autosomal recessive nonsyndromic hearing loss 9. Also called: AUDITORY NEUROPATHY, AUTOSOMAL RECESSIVE, 1, TEMPERATURE-SENSITIVE; Deafness, autosomal recessive 9; OTOF-Related Hearing Loss; NEUROSENSORY NONSYNDROMIC RECESSIVE DEAFNESS 9. Identifiers: Orphanet 90636, MedGen C1832828, MONDO:0010986, OMIM 601071.

Allele frequency attached by ClinVar (database versions not stated): gnomAD 0.00013; TOPMed 0.00013; ESP Exome Variant Server 0.00023.
gnomAD v4.1: 184 of 1,614,022 alleles (0.011%); highest among the groups gnomAD compares: Non-Finnish European, 0.0016%; no homozygotes.

Submissions (10):

GeneDx
Classification: Likely pathogenic. Last evaluated: 2026-03-20. Review status: criteria provided, single submitter. Criteria: GeneDx Variant Classification Process June 2021. Collection method: clinical testing. Allele origin: germline.
Comment: In silico analysis supports that this missense variant has a deleterious effect on protein structure/function; This variant is associated with the following publications: (PMID: 27621663, 34424407, 24053799, 20146813)

Labcorp Genetics (formerly Invitae), Labcorp
Classification: Likely pathogenic. Last evaluated: 2026-01-27. Review status: criteria provided, single submitter. Criteria: Invitae Variant Classification Sherloc (09022015). Collection method: clinical testing. Allele origin: germline.
Comment: This sequence change replaces valine, which is neutral and non-polar, with phenylalanine, which is neutral and non-polar, at codon 1778 of the OTOF protein (p.Val1778Phe). This variant is present in population databases (rs111033330, gnomAD 0.5%). This missense change has been observed in individual(s) with nonsyndromic deafness (PMID: 27621663). It has also been observed to segregate with disease in related individuals. ClinVar contains an entry for this variant (Variation ID: 48258). Invitae Evidence Modeling of protein sequence and biophysical properties (such as structural, functional, and spatial information, amino acid conservation, physicochemical variation, residue mobility, and thermodynamic stability) has been performed for this missense variant. However, the output from this modeling did not meet the statistical confidence thresholds required to predict the impact of this variant on OTOF protein function. In summary, the currently available evidence indicates that the variant is pathogenic, but additional data are needed to prove that conclusively. Therefore, this variant has been classified as Likely Pathogenic.

PreventionGenetics, part of Exact Sciences
Classification: Likely pathogenic for OTOF-related condition. Last evaluated: 2025-12-10. Review status: criteria provided, single submitter. Criteria: ACMG Guidelines, 2015. Collection method: clinical testing. Allele origin: germline.
Comment: The OTOF c.5332G>T variant is predicted to result in the amino acid substitution p.Val1778Phe. This variant has been reported to segregate with autosomal recessive hearing loss, being reported in the homozygous state in four affected and heterozygous or absent in five unaffected siblings from a single nonconsanguineous family (Fedick et al. 2016. PubMed ID: 27621663). This variant is reported in 0.51% of alleles in individuals of Ashkenazi Jewish descent in gnomAD. This variant is interpreted as likely pathogenic.

Women's Health and Genetics/Laboratory Corporation of America, LabCorp
Classification: Likely pathogenic for Nonsyndromic genetic hearing loss. Last evaluated: 2025-11-25. Review status: criteria provided, single submitter. Criteria: LabCorp Variant Classification Summary - May 2015. Collection method: clinical testing. Allele origin: germline.
Comment: Variant summary: OTOF c.5332G>T (p.Val1778Phe) results in a non-conservative amino acid change located in the C2 domain of the encoded protein sequence. Algorithms developed to predict the effect of missense changes on protein structure and function all suggest that this variant is likely to be disruptive. The variant allele was found at a frequency of 0.00023 in 251478 control chromosomes. This frequency is not significantly higher than expected for a pathogenic variant in OTOF causing Nonsyndromic Hearing Loss And Deafness, Type 9 (0.00023 vs 0.0011). However, the frequency of the variant in the Ashkenazi Jewish population suggests a high carrier frequency (0.0051; gnomad). c.5332G>T has been reported in the literature in multiple individuals affected with Nonsyndromic Hearing Loss And Deafness including four siblings from a large Ashkenazi Jewish family (Fedick_2016) and a patient reported to be compound heterozygous for the variant (reported from Fedick_2016 as a personal communication with the author). These data indicate that the variant is very likely to be associated with disease. To our knowledge, no experimental evidence demonstrating an impact on protein function has been reported. The following publications have been ascertained in the context of this evaluation (PMID: 27621663, 20146813). ClinVar contains an entry for this variant (Variation ID: 48258). Based on the evidence outlined above, the variant was classified as likely pathogenic.

Blueprint Genetics
Classification: Likely pathogenic for OTOF-related disorders. Last evaluated: 2024-07-11. Review status: criteria provided, single submitter. Criteria: ACMG Guidelines, 2015. Collection method: clinical testing. Allele origin: germline. Affected: yes. Observed: 5 variant alleles.

Revvity Omics, Revvity
Classification: Likely pathogenic for Autosomal recessive nonsyndromic hearing loss 9. Last evaluated: 2022-12-08. Review status: criteria provided, single submitter. Criteria: ACMG Guidelines, 2015. Collection method: clinical testing. Allele origin: germline.

Department of Pathology and Laboratory Medicine, Sinai Health System
Classification: Likely pathogenic for Autosomal recessive nonsyndromic hearing loss 9. Last evaluated: 2022-06-28. Review status: criteria provided, single submitter. Criteria: ACMG Guidelines, 2015. Collection method: research. Allele origin: germline.

ARUP Laboratories, Molecular Genetics and Genomics, ARUP Laboratories
Classification: Uncertain significance. Last evaluated: 2017-07-31. Review status: criteria provided, single submitter. Criteria: ARUP Molecular Germline Variant Investigation Process. Collection method: clinical testing. Allele origin: germline.
Comment: The p.Val1778Phe variant (rs111033330) has been previously reported in association with auditory neuropathy in an Ashkenazi Jewish family (Fedick 2016). Fedick et al reported 4 siblings homozygous for the p.Val1778Phe variant with highly variable degrees of hearing loss (mild to moderately -severe) and auditory brainstem response testing consistent with auditory neuropathy/dys-synchrony. This variant has been reported to ClinVar (Variation ID: 48258) and according to information provided by Fedick et al the entry from Partners HealthCare represents a 2nd Jewish family with the p.Val1778Phe variant in trans with a known pathogenic variant, but that information is not available on ClinVar. The p.Val1778Phe variant is predicted to be more frequent in Ashkenazi Jewish individuals than in other populations with an estimated frequency of 0.4 - 1.27 percent (gnomAD, and Fedick 2016). Altogether, there is not enough evidence to classify the p.Val1778Phe variant with certainty.

Laboratory for Molecular Medicine, Mass General Brigham Personalized Medicine
Classification: Likely pathogenic for Nonsyndromic genetic hearing loss. Last evaluated: 2015-10-29. Review status: criteria provided, single submitter. Criteria: LMM Criteria. Collection method: clinical testing. Allele origin: germline. Observed: 4 variant alleles.

Reproductive Health Research and Development, BGI Genomics
Classification: Likely pathogenic for Nonsyndromic hearing loss and deafness. Last evaluated: 2020-01-06. Review status: no assertion criteria provided. Collection method: curation. Allele origin: germline. Not counted in ClinVar's aggregate classification.
Comment: NM_194248.2:c.5332G>T in the OTOF gene has an allele frequency of 0.005 in Ashkenazi Jewish subpopulation in the gnomAD database. This c.5332G>T (p.Val1778Phe) variant has been reported in one study in which it was found in a homozygous state in four siblings affected with an autosomal recessive form of nonsyndromic sensorineural hearing loss, and in a heterozygous state in both parents and four unaffected siblings (PMID: 27621663). Pathogenic computational verdict because pathogenic predictions from DANN, DEOGEN2, EIGEN, FATHMM-MKL, M-CAP, MVP, MutationAssessor, MutationTaster, PrimateAI, REVEL and SIFT. Taken together, we interprete this variant as Pathogenic/Likely pathogenic. ACMG/AMP Criteria applied: PP1_Strong, PP3, PP4, PM3_Supporting.

Literature cited by the submitters: PubMed 27621663 (cited by Labcorp Genetics (formerly Invitae), Labcorp and Women's Health and Genetics/Laboratory Corporation of America, LabCorp); PubMed 20146813 (cited by Women's Health and Genetics/Laboratory Corporation of America, LabCorp); PubMed 24053799 (cited by Laboratory for Molecular Medicine, Mass General Brigham Personalized Medicine).